The following is an entry in ClinVar:

NM_145698.5(ACBD5):c.730C>T (p.His244Tyr)

Gene: ACBD5 (acyl-CoA binding domain containing 5; minus strand). Cytogenetic location: 10p12.1.
Variant type: single nucleotide variant.
Coding change: c.730C>T on transcript NM_145698.5 (MANE Select); coding-DNA position 730, C replaced by T.
Protein change: p.His244Tyr; replaces histidine 244 with tyrosine.
Molecular consequence: missense variant. On other transcripts: intron variant (6).
Genome position (GRCh38, 1-based): chr10:27,218,079, G>A on the plus strand (C>T on the coding strand, the complement: ACBD5 is on the minus strand). VCF-style: chr10-27218079-G-A. GRCh37 (hg19) VCF-style: chr10-27507008-G-A.
Other names: c.625C>T, p.His209Tyr (NM_001042473.4, NM_001352577.2, NM_001352578.2 and 1 more transcripts); c.724C>T, p.His242Tyr (NM_001271512.3); c.403C>T, p.His135Tyr (NM_001301251.2, NM_001301252.2, NM_001301253.2 and 2 more transcripts); c.784C>T, p.His262Tyr (NM_001352568.1); c.763C>T, p.His255Tyr (NM_001352569.1); c.730C>T, p.His244Tyr (NM_001352570.1); c.757C>T, p.His253Tyr (NM_001352571.1); c.751C>T, p.His251Tyr (NM_001352572.1); and 10 more; short protein forms H244Y, H262Y, H135Y, H146Y, H191Y, H242Y, H253Y, H251Y.
Identifiers: ClinVar variation 955869 (VCV000955869.9), dbSNP rs760751123, ClinGen allele CA5450841.

ClinVar aggregate classification (germline): Uncertain significance (1 of 4 stars; one submission).

Allele frequency attached by ClinVar (database versions not stated): gnomAD exomes below 0.00001 and 0.00001; TOPMed below 0.00001; ExAC 0.00001; gnomAD 0.00001.
gnomAD v4.1: 5 of 1,614,002 alleles (0.00031%); highest among the groups gnomAD compares: Non-Finnish European, 0.00042%; no homozygotes.

Submission:

Labcorp Genetics (formerly Invitae), Labcorp
Classification: Uncertain significance. Last evaluated: 2019-09-10. Review status: criteria provided, single submitter. Criteria: Invitae Variant Classification Sherloc (09022015). Collection method: clinical testing. Allele origin: germline.
Comment: This sequence change replaces histidine with tyrosine at codon 244 of the ACBD5 protein (p.His244Tyr). The histidine residue is weakly conserved and there is a moderate physicochemical difference between histidine and tyrosine. This variant is present in population databases (rs760751123, ExAC 0.001%). This variant has not been reported in the literature in individuals with ACBD5-related conditions. In summary, the available evidence is currently insufficient to determine the role of this variant in disease. Therefore, it has been classified as a Variant of Uncertain Significance. Algorithms developed to predict the effect of missense changes on protein structure and function (SIFT, PolyPhen-2, Align-GVGD) all suggest that this variant is likely to be tolerated, but these predictions have not been confirmed by published functional studies and their clinical significance is uncertain.